The following is an entry in ClinVar:

NM_016247.4(IMPG2):c.3381C>T (p.Leu1127=)

Gene: IMPG2 (interphotoreceptor matrix proteoglycan 2; minus strand). Cytogenetic location: 3q12.3.
Variant type: single nucleotide variant.
Coding change: c.3381C>T on transcript NM_016247.4 (MANE Select); coding-DNA position 3381, C replaced by T.
Protein change: p.Leu1127=; no amino-acid change (leucine 1127 retained).
Molecular consequence: synonymous variant.
Genome position (GRCh38, 1-based): chr3:101,230,998, G>A on the plus strand (C>T on the coding strand, the complement: IMPG2 is on the minus strand). VCF-style: chr3-101230998-G-A. GRCh37 (hg19) VCF-style: chr3-100949842-G-A.
Identifiers: ClinVar variation 342337 (VCV000342337.24), dbSNP rs348867, ClinGen allele CA2518773.

ClinVar aggregate classification (germline): Benign. Review status: criteria provided, multiple submitters, no conflicts (2 of 4 stars). 9 submissions from 8 submitters: Benign (7). 2 of the submissions do not count toward it. Last evaluated 2026-02-04.

Conditions:
Retinal dystrophy. Also called: Inherited retinal dystrophy. Identifiers: Orphanet 71862, MedGen C0854723, MeSH D058499, MONDO:0019118, HP:0000556.
Retinitis pigmentosa (RP). Identifiers: Orphanet 791, MedGen C0035334, MeSH D012174, MONDO:0019200, OMIM 268000. Inheritance: Autosomal dominant, autosomal recessive and X linked inheritance.
Retinitis pigmentosa 56 (RP56). Identifiers: Orphanet 791, MedGen C3150819, MONDO:0013314, OMIM 613581.
Vitelliform macular dystrophy 5. Identifiers: Orphanet 99000, MedGen C4015343, MONDO:0014509, OMIM 616152.

Allele frequency attached by ClinVar (database versions not stated): gnomAD exomes 0.78587 and 0.79089; ExAC 0.79106; ESP Exome Variant Server 0.79548; TOPMed 0.79799; gnomAD 0.80051 and 0.80304; 1000 Genomes Project 30x 0.81137; 1000 Genomes Project 0.81290.
gnomAD v4.1: 1,269,309 of 1,613,038 alleles (79%); highest among the groups gnomAD compares: Admixed American, 82%; 500,371 homozygotes.

Submissions (9):

Labcorp Genetics (formerly Invitae), Labcorp
Classification: Benign. Last evaluated: 2026-02-04. Review status: criteria provided, single submitter. Criteria: Invitae Variant Classification Sherloc (09022015). Collection method: clinical testing. Allele origin: germline.

Dept Of Ophthalmology, Nagoya University
Classification: Benign for Retinal dystrophy. Last evaluated: 2023-10-01. Review status: criteria provided, single submitter. Criteria: Submitter's publication. Collection method: research. Allele origin: germline. Affected: yes.

Genome-Nilou Lab
Classification: Benign for Vitelliform macular dystrophy 5. Last evaluated: 2021-08-19. Review status: criteria provided, single submitter. Criteria: ACMG Guidelines, 2015. Collection method: clinical testing. Allele origin: germline. Affected: no.

Genome-Nilou Lab
Classification: Benign for Retinitis pigmentosa 56. Last evaluated: 2021-08-19. Review status: criteria provided, single submitter. Criteria: ACMG Guidelines, 2015. Collection method: clinical testing. Allele origin: germline. Affected: no.

GeneDx
Classification: Benign. Last evaluated: 2019-10-25. Review status: criteria provided, single submitter. Criteria: GeneDx Variant Classification Process June 2021. Collection method: clinical testing. Allele origin: germline. Affected: yes.

Illumina Laboratory Services, Illumina
Classification: Benign for Retinitis pigmentosa. Last evaluated: 2018-01-13. Review status: criteria provided, single submitter. Criteria: ICSL Variant Classification Criteria 13 December 2019. Collection method: clinical testing. Allele origin: germline.
Comment: This variant was observed in the ICSL laboratory as part of a predisposition screen in an ostensibly healthy population. It had not been previously curated by ICSL or reported in the Human Gene Mutation Database (HGMD: prior to June 1st, 2018), and was therefore a candidate for classification through an automated scoring system. Utilizing variant allele frequency, disease prevalence and penetrance estimates, and inheritance mode, an automated score was calculated to assess if this variant is too frequent to cause the disease. Based on the score and internal cut-off values, a variant classified as benign is not then subjected to further curation. The score for this variant resulted in a classification of benign for this disease.

Breakthrough Genomics
Classification: Benign. Review status: criteria provided, single submitter. Criteria: ACMG Guidelines, 2015. Collection method: not provided. Allele origin: germline. Inheritance: Autosomal recessive inheritance. Affected: yes.

Diagnostic Laboratory, Department of Genetics, University Medical Center Groningen
Classification: Benign. Review status: no assertion criteria provided. Collection method: clinical testing. Allele origin: germline. Affected: yes. Study: VKGL Data-share Consensus. Not counted in ClinVar's aggregate classification.

Joint Genome Diagnostic Labs from Nijmegen and Maastricht, Radboudumc and MUMC+
Classification: Benign. Review status: no assertion criteria provided. Collection method: clinical testing. Allele origin: germline. Affected: yes. Study: VKGL Data-share Consensus. Not counted in ClinVar's aggregate classification.